The following is an entry in ClinVar:

ClinVar aggregate classification (germline): Uncertain significance. Review status: criteria provided, multiple submitters, no conflicts (2 of 4 stars). 2 submissions from 2 submitters: Uncertain significance (2). Last evaluated 2025-05-17.

Submissions (2):

Dasa
Classification: Uncertain significance. Last evaluated: 2025-05-17. Review status: criteria provided, single submitter. Criteria: DASA Assertion Criteria. Collection method: clinical testing. Allele origin: germline.
Comment: NM_183357.3(ADCY5):c.160A>G (p.Thr54Ala) is a missense variant that results in the substitution of threonine with alanine. This variant is absent from population databases. Computational prediction algorithms are consistent with a benign effect. The currently available literature and clinical evidence are not sufficient to establish a definitive association between this variant and the reported condition. Therefore, this variant is classified as a variant of uncertain significance.

Labcorp Genetics (formerly Invitae), Labcorp
Classification: Uncertain significance. Last evaluated: 2021-12-30. Review status: criteria provided, single submitter. Criteria: Invitae Variant Classification Sherloc (09022015). Collection method: clinical testing. Allele origin: germline.
Comment: In summary, the available evidence is currently insufficient to determine the role of this variant in disease. Therefore, it has been classified as a Variant of Uncertain Significance. Advanced modeling of protein sequence and biophysical properties (such as structural, functional, and spatial information, amino acid conservation, physicochemical variation, residue mobility, and thermodynamic stability) performed at Invitae indicates that this missense variant is not expected to disrupt ADCY5 protein function. This variant has not been reported in the literature in individuals affected with ADCY5-related conditions. This variant is not present in population databases (gnomAD no frequency). This sequence change replaces threonine, which is neutral and polar, with alanine, which is neutral and non-polar, at codon 54 of the ADCY5 protein (p.Thr54Ala).

NM_183357.3(ADCY5):c.160A>G (p.Thr54Ala)

Gene: ADCY5 (adenylate cyclase 5; minus strand). Cytogenetic location: 3q21.1.
Variant type: single nucleotide variant.
Coding change: c.160A>G on transcript NM_183357.3 (MANE Select); coding-DNA position 160, A replaced by G.
Protein change: p.Thr54Ala; replaces threonine 54 with alanine.
Molecular consequence: missense variant.
Genome position (GRCh38, 1-based): chr3:123,448,386, T>C on the plus strand (A>G on the coding strand, the complement: ADCY5 is on the minus strand). VCF-style: chr3-123448386-T-C. GRCh37 (hg19) VCF-style: chr3-123167233-T-C.
Other names: c.160A>G, p.Thr54Ala (NM_001378259.1); short protein forms T54A.
Identifiers: ClinVar variation 2066270 (VCV002066270.6), dbSNP rs2473329745, ClinGen allele CA354358799.